The following is an entry in ClinVar:

ClinVar aggregate classification (germline): Uncertain significance (1 of 4 stars; one submission).

Submission:

GeneDx
Classification: Uncertain significance. Last evaluated: 2024-03-06. Review status: criteria provided, single submitter. Criteria: GeneDx Variant Classification Process June 2021. Collection method: clinical testing. Allele origin: germline. Affected: yes.
Comment: Not observed at significant frequency in large population cohorts (gnomAD); In silico analysis supports that this missense variant has a deleterious effect on protein structure/function; Has not been previously published as pathogenic or benign to our knowledge

NM_006766.5(KAT6A):c.835C>G (p.Leu279Val)

Gene: KAT6A (lysine acetyltransferase 6A; minus strand). Cytogenetic location: 8p11.21.
Variant type: single nucleotide variant.
Coding change: c.835C>G on transcript NM_006766.5 (MANE Select); coding-DNA position 835, C replaced by G.
Protein change: p.Leu279Val; replaces leucine 279 with valine.
Molecular consequence: missense variant.
Genome position (GRCh38, 1-based): chr8:41,980,918, G>C on the plus strand (C>G on the coding strand, the complement: KAT6A is on the minus strand). VCF-style: chr8-41980918-G-C. GRCh37 (hg19) VCF-style: chr8-41838436-G-C.
Other names: c.835C>G, p.Leu279Val (NM_001305878.2); short protein forms L279V.
Identifiers: ClinVar variation 3369548 (VCV003369548.1).